The following is an entry in ClinVar:

ClinVar aggregate classification (germline): Pathogenic (1 of 4 stars; one submission).

Submission:

Labcorp Genetics (formerly Invitae), Labcorp
Classification: Pathogenic. Last evaluated: 2023-07-21. Review status: criteria provided, single submitter. Criteria: Invitae Variant Classification Sherloc (09022015). Collection method: clinical testing. Allele origin: germline.
Comment: This sequence change creates a premature translational stop signal (p.Glu347Lysfs*12) in the IMPG1 gene. It is expected to result in an absent or disrupted protein product. Loss-of-function variants in IMPG1 are known to be pathogenic (PMID: 23993198). This variant is not present in population databases (gnomAD no frequency). This variant has not been reported in the literature in individuals affected with IMPG1-related conditions. ClinVar contains an entry for this variant (Variation ID: 1006441). For these reasons, this variant has been classified as Pathogenic.

Literature cited by the submitters: PubMed 23993198.

NM_001563.4(IMPG1):c.1038del (p.Glu347fs)

Gene: IMPG1 (interphotoreceptor matrix proteoglycan 1; minus strand). Cytogenetic location: 6q14.1.
Variant type: Deletion.
Coding change: c.1038del on transcript NM_001563.4 (MANE Select); coding-DNA position 1038, one base deleted (A; older notation c.1038delA).
Protein change: p.Glu347fs; shifts the reading frame from glutamic acid 347.
Molecular consequence: frameshift variant.
Genome position (GRCh38, 1-based): chr6:76,005,384, T deleted on the plus strand (A on the coding strand, the reverse complement: IMPG1 is on the minus strand). VCF-style (leftmost placement, unchanged base first): chr6-76005383-CT-C. GRCh37 (hg19) VCF-style: chr6-76715100-CT-C.
Other names: c.804del, p.Glu269fs (NM_001282368.2); short protein forms E269fs, E347fs.
Identifiers: ClinVar variation 1006441 (VCV001006441.6), dbSNP rs1783077289, ClinGen allele CA2497158239.